The following is an entry in ClinVar:

NM_173543.3(DZIP1L):c.2097C>T (p.Pro699=)

Gene: DZIP1L (DAZ interacting zinc finger protein 1 like; minus strand). Cytogenetic location: 3q22.3.
Variant type: single nucleotide variant.
Coding change: c.2097C>T on transcript NM_173543.3 (MANE Select); coding-DNA position 2097, C replaced by T.
Protein change: p.Pro699=; no amino-acid change (proline 699 retained).
Molecular consequence: synonymous variant.
Genome position (GRCh38, 1-based): chr3:138,064,673, G>A on the plus strand (C>T on the coding strand, the complement: DZIP1L is on the minus strand). VCF-style: chr3-138064673-G-A. GRCh37 (hg19) VCF-style: chr3-137783515-G-A.
Identifiers: ClinVar variation 3049535 (VCV003049535.2), dbSNP rs747104578, ClinGen allele CA2634677.
Genomic context (GRCh38, chr3:138,064,673, plus strand): 5'-CATCCTACATCCTACCTGAGGCTTCCTTCCTGGTGTGGCAGCCCTCTGTGGCCCAGCATT[G>A]GGCATAAAAAACAGACTGACCCCTCCAGCAGGCTTCTTTGCTGGAGCTTCTAGCTGCTTC-3'
Protein context (NP_775814.2, residues 689-709): PAGGVSLFFM[Pro699=]NAGPQRAATP

ClinVar aggregate classification (germline): Likely benign (0 of 4 stars; one submission).

Conditions:
DZIP1L-related disorder. Also called: DZIP1L-related condition.

Allele frequency attached by ClinVar (database versions not stated): TOPMed below 0.00001; ExAC 0.00001; gnomAD 0.00001.
gnomAD v4.1: 50 of 1,613,948 alleles (0.0031%); highest among the groups gnomAD compares: Non-Finnish European, 0.004%; no homozygotes.

Submission:

PreventionGenetics, part of Exact Sciences
Classification: Likely benign for DZIP1L-related condition. Last evaluated: 2023-08-30. Review status: no assertion criteria provided. Collection method: clinical testing. Allele origin: germline.
Comment: This variant is classified as likely benign based on ACMG/AMP sequence variant interpretation guidelines (Richards et al. 2015 PMID: 25741868, with internal and published modifications).